The following is an entry in ClinVar:

ClinVar aggregate classification (germline): Benign/Likely benign. Review status: criteria provided, multiple submitters, no conflicts (2 of 4 stars). 8 submissions from 8 submitters: Benign (2); Likely benign (6). Last evaluated 2026-01-27.

Conditions:
Epidermolysis bullosa simplex, Ogna type (EBS5A). Also called: Pidermolysis bullosa simplex 5A, Ogna type; EPIDERMOLYSIS BULLOSA SIMPLEX 5A, OGNA TYPE. Identifiers: Orphanet 79401, MedGen C0432317, MONDO:0007555, OMIM 131950.
Epidermolysis bullosa simplex with nail dystrophy (EBS5D). Identifiers: MedGen C4225309, MONDO:0014661, OMIM 616487.
Epidermolysis bullosa simplex 5C, with pyloric atresia (EBS5C). Also called: PLEC1-Related Epidermolysis Bullosa with Pyloric Atresia; PLEC-Related Epidermolysis Bullosa with Pyloric Atresia; Epidermolysis bullosa simplex with pyloric atresia. Identifiers: Orphanet 158684, MedGen C2677349, MONDO:0012807, OMIM 612138.
Epidermolysis bullosa simplex 5B, with muscular dystrophy (EBS5B). Also called: EPIDERMOLYSIS BULLOSA SIMPLEX AND LIMB-GIRDLE MUSCULAR DYSTROPHY; Epidermolysis bullosa simplex with muscular dystrophy. Identifiers: Orphanet 257, MedGen C2931072, MONDO:0009181, OMIM 226670.
Autosomal recessive limb-girdle muscular dystrophy type 2Q (LGMDR17). Also called: MUSCULAR DYSTROPHY, LIMB-GIRDLE, AUTOSOMAL RECESSIVE 17. Identifiers: Orphanet 254361, MedGen C3150989, MONDO:0013390, OMIM 613723.
Junctional epidermolysis bullosa with pyloric atresia. Also called: EB-PA-ACC; Epidermolysis bullosa, junctional, with pyloric atresia and aplasia cutis congenita; Epidermolysis bullosa junctionalis with pyloric atresia; APLASIA CUTIS CONGENITA WITH GASTROINTESTINAL ATRESIA; CARMI SYNDROME; EPIDERMOLYSIS BULLOSA, JUNCTIONAL 5B, WITH PYLORIC ATRESIA. Identifiers: Orphanet 79403, MedGen C5676875, MONDO:0009183, OMIM 226730.

Allele frequency attached by ClinVar (database versions not stated): ExAC 0.00121; ESP Exome Variant Server 0.00285; 1000 Genomes Project 30x 0.00328; gnomAD 0.00329; 1000 Genomes Project 0.00339; TOPMed 0.00409.
gnomAD v4.1: 1,793 of 1,613,324 alleles (0.11%); highest among the groups gnomAD compares: African/African-American, 1.2%; 9 homozygotes.

Submissions (8):

Labcorp Genetics (formerly Invitae), Labcorp
Classification: Likely benign for Autosomal recessive limb-girdle muscular dystrophy type 2Q; Epidermolysis bullosa simplex, Ogna type; Epidermolysis bullosa simplex with nail dystrophy; Epidermolysis bullosa simplex 5C, with pyloric atresia; Epidermolysis bullosa simplex 5B, with muscular dystrophy. Last evaluated: 2026-01-27. Review status: criteria provided, single submitter. Criteria: Invitae Variant Classification Sherloc (09022015). Collection method: clinical testing. Allele origin: germline.

CeGaT Center for Human Genetics Tuebingen
Classification: Likely benign. Last evaluated: 2025-12-01. Review status: criteria provided, single submitter. Criteria: CeGaT Center For Human Genetics Tuebingen Variant Classification Criteria Version 2. Collection method: clinical testing. Allele origin: germline. Affected: yes. Observed: 2 variant alleles.
Comment: PLEC: BP4, BS1

Blueprint Genetics
Classification: Likely benign. Last evaluated: 2024-10-24. Review status: criteria provided, single submitter. Criteria: ACMG Guidelines, 2015. Collection method: clinical testing. Allele origin: germline.

Athena Diagnostics
Classification: Benign. Last evaluated: 2024-04-15. Review status: criteria provided, single submitter. Criteria: Athena Diagnostics Criteria. Collection method: clinical testing. Allele origin: unknown.

Fulgent Genetics
Classification: Likely benign for Epidermolysis bullosa simplex, Ogna type; Epidermolysis bullosa simplex 5B, with muscular dystrophy; Junctional epidermolysis bullosa with pyloric atresia; Epidermolysis bullosa simplex 5C, with pyloric atresia; Autosomal recessive limb-girdle muscular dystrophy type 2Q; Epidermolysis bullosa simplex with nail dystrophy. Last evaluated: 2021-09-27. Review status: criteria provided, single submitter. Criteria: ACMG Guidelines, 2015. Collection method: clinical testing. Allele origin: unknown.

GeneDx
Classification: Likely benign. Last evaluated: 2021-05-26. Review status: criteria provided, single submitter. Criteria: GeneDx Variant Classification Process June 2021. Collection method: clinical testing. Allele origin: germline. Affected: yes.

Eurofins Ntd Llc (ga)
Classification: Benign. Last evaluated: 2015-08-06. Review status: criteria provided, single submitter. Criteria: EGL Classification Definitions 2015. Collection method: clinical testing. Allele origin: germline. Observed: 2 variant alleles, 2 heterozygotes.

Breakthrough Genomics
Classification: Likely benign. Review status: criteria provided, single submitter. Criteria: ACMG Guidelines, 2015. Collection method: not provided. Allele origin: germline. Inheritance: Autosomal recessive inheritance. Affected: yes.

NM_201384.3(PLEC):c.8445T>C (p.Val2815=)

Gene: PLEC (plectin; minus strand). Cytogenetic location: 8q24.3.
Variant type: single nucleotide variant.
Coding change: c.8445T>C on transcript NM_201384.3 (MANE Select); coding-DNA position 8445, T replaced by C.
Protein change: p.Val2815=; no amino-acid change (valine 2815 retained).
Molecular consequence: synonymous variant.
Genome position (GRCh38, 1-based): chr8:143,921,376, A>G on the plus strand (T>C on the coding strand, the complement: PLEC is on the minus strand). VCF-style: chr8-143921376-A-G. GRCh37 (hg19) VCF-style: chr8-144995544-A-G.
Other names: c.8526T>C, p.Val2842= (NM_000445.5); c.8403T>C, p.Val2801= (NM_201378.4); c.8379T>C, p.Val2793= (NM_201379.3); c.8856T>C, p.Val2952= (NM_201380.4); c.8349T>C, p.Val2783= (NM_201381.3); c.8445T>C, p.Val2815= (NM_201382.4); c.8457T>C, p.Val2819= (NM_201383.3).
Identifiers: ClinVar variation 93086 (VCV000093086.24), dbSNP rs371421350, ClinGen allele CA146600.